The following is an entry in ClinVar:

NM_000046.5(ARSB):c.1419G>A (p.Trp473Ter)

Gene: ARSB (arylsulfatase B; minus strand). Cytogenetic location: 5q14.1.
Variant type: single nucleotide variant.
Coding change: c.1419G>A on transcript NM_000046.5 (MANE Select); coding-DNA position 1419, G replaced by A.
Protein change: p.Trp473Ter; replaces tryptophan 473 with a stop codon.
Molecular consequence: nonsense.
Genome position (GRCh38, 1-based): chr5:78,780,580, C>T on the plus strand (G>A on the coding strand, the complement: ARSB is on the minus strand). VCF-style: chr5-78780580-C-T. GRCh37 (hg19) VCF-style: chr5-78076403-C-T.
Other names: c.1419G>A (NM_000046.4); short protein forms W473*.
Identifiers: ClinVar variation 1071559 (VCV001071559.10), dbSNP rs1234650208, ClinGen allele CA360339157.

ClinVar aggregate classification (germline): Pathogenic/Likely pathogenic. Review status: criteria provided, multiple submitters, no conflicts (2 of 4 stars). 2 submissions from 2 submitters: Pathogenic (1); Likely pathogenic (1). Last evaluated 2024-04-17.

Conditions:
Mucopolysaccharidosis type 6 (MPS6). Also called: MPS 6; Maroteaux Lamy syndrome; MPS VI; N-ACETYLGALACTOSAMINE-4-SULFATASE DEFICIENCY; ARSB DEFICIENCY; ARYLSULFATASE B DEFICIENCY. Identifiers: Orphanet 583, MedGen C0026709, MONDO:0009661, OMIM 253200.

Allele frequency attached by ClinVar (database versions not stated): TOPMed below 0.00001; gnomAD 0.00001.
gnomAD v4.1: 1 of 1,613,936 alleles (0.000062%); highest among the groups gnomAD compares: Non-Finnish European, 0.000085%; no homozygotes.

Submissions (2):

Natera, Inc.
Classification: Likely pathogenic for Mucopolysaccharidosis type VI. Last evaluated: 2024-04-17. Review status: criteria provided, single submitter. Criteria: Natera Variant Classification Schema (03/2026). Collection method: clinical testing. Allele origin: germline.
Comment: The c.1419G>A variant in ARSB is a nonsense variant predicted to introduce a stop codon at amino acid 473. This variant is expected to result in nonsense mediated decay, truncation, or a dysfunctional protein product. This variant is rare in the general population with a frequency below the threshold expected for the associated phenotype(s). Given the available evidence, this variant is classified as Likely Pathogenic.

Labcorp Genetics (formerly Invitae), Labcorp
Classification: Pathogenic for Mucopolysaccharidosis type 6. Last evaluated: 2022-05-05. Review status: criteria provided, single submitter. Criteria: Invitae Variant Classification Sherloc (09022015). Collection method: clinical testing. Allele origin: germline.
Comment: This sequence change creates a premature translational stop signal (p.Trp473*) in the ARSB gene. While this is not anticipated to result in nonsense mediated decay, it is expected to disrupt the last 61 amino acid(s) of the ARSB protein. This variant is present in population databases (no rsID available, gnomAD 0.007%). This premature translational stop signal has been observed in individual(s) with mucopolysaccharidosis type VI (PMID: 17458871). ClinVar contains an entry for this variant (Variation ID: 1071559). This variant disrupts a region of the ARSB protein in which other variant(s) (p.Asp480Glyfs*3) have been determined to be pathogenic (PMID: 10036316, 10923267, 14974081; Invitae). This suggests that this is a clinically significant region of the protein, and that variants that disrupt it are likely to be disease-causing. For these reasons, this variant has been classified as Pathogenic.

Literature cited by the submitters: PubMed 17458871 (cited by Labcorp Genetics (formerly Invitae), Labcorp); PubMed 10036316 (cited by Labcorp Genetics (formerly Invitae), Labcorp); PubMed 10923267 (cited by Labcorp Genetics (formerly Invitae), Labcorp); PubMed 14974081 (cited by Labcorp Genetics (formerly Invitae), Labcorp).